The following is an entry in ClinVar:

ClinVar aggregate classification (germline): Pathogenic/Likely pathogenic. Review status: criteria provided, multiple submitters, no conflicts (2 of 4 stars). 3 submissions from 3 submitters: Pathogenic (1); Likely pathogenic (2). Last evaluated 2026-01-08.

Conditions:
Pheochromocytoma. Also called: MAX-Related Hereditary Paraganglioma-Pheochromocytoma Syndrome. Identifiers: Orphanet 29072, MedGen C0031511, MONDO:0008233, OMIM 171300, HP:0002666.
Gastrointestinal stromal tumor. Also called: Gastrointestinal stromal tumor, somatic; Gastrointestinal stroma tumor. Identifiers: Orphanet 44890, MedGen C0238198, MeSH D046152, MONDO:0011719, OMIM 606764, HP:0100723.
Pheochromocytoma/paraganglioma syndrome 4. Also called: CAROTID BODY TUMORS AND MULTIPLE EXTRAADRENAL PHEOCHROMOCYTOMAS; PARAGANGLIOMA, FAMILIAL MALIGNANT; PARAGANGLIOMAS, HEREDITARY EXTRAADRENAL; PHEOCHROMOCYTOMA, FAMILIAL EXTRAADRENAL; Paragangliomas 4; SDHB-Related Hereditary Paraganglioma-Pheochromocytoma Syndrome (Paragangliomas 4). Identifiers: Orphanet 29072, MedGen C1861848, MONDO:0007273, OMIM 115310.
Hereditary cancer-predisposing syndrome. Also called: Neoplastic Syndromes, Hereditary; Hereditary neoplastic syndrome; Tumor predisposition; Hereditary Cancer Syndrome. Identifiers: Orphanet 140162, MedGen C0027672, MeSH D009386, MONDO:0015356.

Submissions (3):

Ambry Genetics
Classification: Pathogenic for Hereditary cancer-predisposing syndrome. Last evaluated: 2026-01-08. Review status: criteria provided, single submitter. Criteria: Ambry Variant Classification Scheme 2023. Collection method: clinical testing. Allele origin: germline.
Comment: The c.649C>A (p.R217S) alteration is located in exon 7 (coding exon 7) of the SDHB gene. This alteration results from a C to A substitution at nucleotide position 649, causing the arginine (R) at amino acid position 217 to be replaced by a serine (S). This variant was not reported in population-based cohorts in the Genome Aggregation Database (gnomAD). This variant has been observed in multiple individuals with a personal and/or family history that is consistent with SDHB-related paraganglioma-pheochromocytoma syndrome (Buffet, 2012; Ambry internal data). Three different alterations at the same position (p.R217C, p.R217G, and p.R217L) have also been reported in multiple individuals with paragangliomas (Neumann, 2009; van Nederveen, 2009; Michaowska, 2015). This amino acid position is highly conserved in available vertebrate species. In a functional study, the R217L mutant severely lacked normal succinate dehydrogenase activity (Panizza, 2013), suggesting that R217S has similar functional deficiency. This alteration is predicted to be deleterious by in silico analysis. Based on the available evidence, this alteration is classified as pathogenic.

GeneDx
Classification: Likely pathogenic. Last evaluated: 2025-05-13. Review status: criteria provided, single submitter. Criteria: GeneDx Variant Classification Process June 2021. Collection method: clinical testing. Allele origin: germline. Affected: yes.
Comment: Reported in one individual referred for genetic testing based on a personal or family history of pheochromocytoma or paraganglioma (PMID: 22517557); In silico analysis supports that this missense variant has a deleterious effect on protein structure/function; Not observed at significant frequency in large population cohorts (gnomAD); This variant is associated with the following publications: (PMID: 22517557, 34906457)

Labcorp Genetics (formerly Invitae), Labcorp
Classification: Likely pathogenic for Gastrointestinal stromal tumor; Pheochromocytoma/paraganglioma syndrome 4; Pheochromocytoma. Last evaluated: 2024-09-16. Review status: criteria provided, single submitter. Criteria: Invitae Variant Classification Sherloc (09022015). Collection method: clinical testing. Allele origin: germline.
Comment: This sequence change replaces arginine, which is basic and polar, with serine, which is neutral and polar, at codon 217 of the SDHB protein (p.Arg217Ser). This variant is not present in population databases (gnomAD no frequency). This missense change has been observed in individuals with paraganglioma and/or pheochromocytoma (PMID: 34906457; external communication, internal data). Invitae Evidence Modeling of protein sequence and biophysical properties (such as structural, functional, and spatial information, amino acid conservation, physicochemical variation, residue mobility, and thermodynamic stability) indicates that this missense variant is expected to disrupt SDHB protein function with a positive predictive value of 80%. This variant disrupts the p.Arg217 amino acid residue in SDHB. Other variant(s) that disrupt this residue have been determined to be pathogenic (PMID: 18753105, 19351833, 19454582, 19802898, 23735539, 24659481, 25047027, 26960314). This suggests that this residue is clinically significant, and that variants that disrupt this residue are likely to be disease-causing. In summary, the currently available evidence indicates that the variant is pathogenic, but additional data are needed to prove that conclusively. Therefore, this variant has been classified as Likely Pathogenic.

Literature cited by the submitters: PubMed 19351833 (cited by Ambry Genetics and Labcorp Genetics (formerly Invitae), Labcorp); PubMed 19576851 (cited by Ambry Genetics); PubMed 22517557 (cited by Ambry Genetics); PubMed 23175444 (cited by Ambry Genetics); PubMed 25791839 (cited by Ambry Genetics); PubMed 34906457 (cited by Labcorp Genetics (formerly Invitae), Labcorp); PubMed 18753105 (cited by Labcorp Genetics (formerly Invitae), Labcorp); PubMed 19454582 (cited by Labcorp Genetics (formerly Invitae), Labcorp); PubMed 19802898 (cited by Labcorp Genetics (formerly Invitae), Labcorp); PubMed 23735539 (cited by Labcorp Genetics (formerly Invitae), Labcorp); PubMed 24659481 (cited by Labcorp Genetics (formerly Invitae), Labcorp); PubMed 25047027 (cited by Labcorp Genetics (formerly Invitae), Labcorp); PubMed 26960314 (cited by Labcorp Genetics (formerly Invitae), Labcorp).

NM_003000.3(SDHB):c.649C>A (p.Arg217Ser)

Gene: SDHB (succinate dehydrogenase complex iron sulfur subunit B; minus strand). Cytogenetic location: 1p36.13.
Variant type: single nucleotide variant.
Coding change: c.649C>A on transcript NM_003000.3 (MANE Select); coding-DNA position 649, C replaced by A.
Protein change: p.Arg217Ser; replaces arginine 217 with serine.
Molecular consequence: missense variant.
Genome position (GRCh38, 1-based): chr1:17,022,724, G>T on the plus strand (C>A on the coding strand, the complement: SDHB is on the minus strand). VCF-style: chr1-17022724-G-T. GRCh37 (hg19) VCF-style: chr1-17349219-G-T.
Other names: c.595C>A, p.Arg199Ser (NM_001407361.1); short protein forms R199S, R217S.
Identifiers: ClinVar variation 2940286 (VCV002940286.6), dbSNP rs200245469, ClinGen allele CA338270503.